The following is an entry in ClinVar:

ClinVar aggregate classification (germline): Uncertain significance (1 of 4 stars; one submission).

Conditions:
ATP2B1-related disorder. Also called: ATP2B1-related condition.

Submission:

PreventionGenetics, part of Exact Sciences
Classification: Uncertain significance for ATP2B1-related condition. Last evaluated: 2025-10-30. Review status: criteria provided, single submitter. Criteria: ACMG Guidelines, 2015. Collection method: clinical testing. Allele origin: germline.
Comment: The ATP2B1 c.3543A>G variant is predicted to result in the amino acid substitution p.Ile1181Met. To our knowledge, this variant has not been reported in the literature or in a large population database (gnomAD), indicating this variant is rare. At this time, the clinical significance of this variant is uncertain due to the absence of conclusive functional and genetic evidence.

NM_001366521.1(ATP2B1):c.3456A>G (p.Ile1152Met)

Gene: ATP2B1 (ATPase plasma membrane Ca2+ transporting 1; minus strand). Cytogenetic location: 12q21.33.
Variant type: single nucleotide variant.
Coding change: c.3456A>G on transcript NM_001366521.1 (MANE Select); coding-DNA position 3456, A replaced by G.
Protein change: p.Ile1152Met; replaces isoleucine 1152 with methionine.
Molecular consequence: missense variant. On other transcripts: 3 prime UTR variant (9), non-coding transcript variant (3).
Genome position (GRCh38, 1-based): chr12:89,591,191, T>C on the plus strand (A>G on the coding strand, the complement: ATP2B1 is on the minus strand). VCF-style: chr12-89591191-T-C. GRCh37 (hg19) VCF-style: chr12-89984968-T-C.
Other names: c.*79A>G (NM_001001323.2, NM_001366523.1, NM_001366528.1 and 2 more transcripts); c.3456A>G, p.Ile1152Met (NM_001366520.1, NM_001366522.1, NM_001413046.1 and 2 more transcripts); c.3543A>G, p.Ile1181Met (NM_001366524.1, NM_001366525.1); c.*92A>G (NM_001366526.1, NM_001366527.1, NM_001366529.1 and 1 more transcripts); c.3417A>G, p.Ile1139Met (NM_001413048.1); c.3348A>G, p.Ile1116Met (NM_001413049.1, NM_001413050.1); c.3315A>G, p.Ile1105Met (NM_001413051.1, NM_001413052.1); c.3258A>G, p.Ile1086Met (NM_001413053.1); and 5 more; short protein forms I1001M, I1067M, I1069M, I1105M, I965M, I1071M, I1086M, I1116M.
Identifiers: ClinVar variation 4983079 (VCV004983079.1).